The following is an entry in ClinVar:

NM_000059.4(BRCA2):c.9668A>T (p.Glu3223Val)

Gene: BRCA2 (BRCA2 DNA repair associated; plus strand). Cytogenetic location: 13q13.1.
Variant type: single nucleotide variant.
Coding change: c.9668A>T on transcript NM_000059.4 (MANE Select); coding-DNA position 9668, A replaced by T.
Protein change: p.Glu3223Val; replaces glutamic acid 3223 with valine.
Molecular consequence: missense variant.
Genome position (GRCh38, 1-based): chr13:32,398,181, A>T. VCF-style: chr13-32398181-A-T. GRCh37 (hg19) VCF-style: chr13-32972318-A-T.
Other names: short protein forms E3223V.
Identifiers: ClinVar variation 1008514 (VCV001008514.9), dbSNP rs2073049203, ClinGen allele CA387765172.

ClinVar aggregate classification (germline): Uncertain significance (1 of 4 stars; one submission).

Conditions:
Hereditary breast ovarian cancer syndrome. Also called: BRCA1- and BRCA2-Associated Hereditary Breast and Ovarian Cancer; Hereditary breast and ovarian cancer; Hereditary breast and ovarian cancer syndrome; Breast and ovarian cancer; Hereditary breast and/or ovarian cancer syndrome; Hereditary breast and ovarian cancer syndrome (HBOC). Identifiers: Orphanet 145, MedGen C0677776, MeSH D061325, MONDO:0003582. Disease mechanism: loss of function.

Submission:

Labcorp Genetics (formerly Invitae), Labcorp
Classification: Uncertain significance for Hereditary breast ovarian cancer syndrome. Last evaluated: 2020-09-05. Review status: criteria provided, single submitter. Criteria: Invitae Variant Classification Sherloc (09022015). Collection method: clinical testing. Allele origin: germline.
Comment: This variant has not been reported in the literature in individuals with BRCA2-related conditions. In summary, the available evidence is currently insufficient to determine the role of this variant in disease. Therefore, it has been classified as a Variant of Uncertain Significance. Advanced modeling of protein sequence and biophysical properties (such as structural, functional, and spatial information, amino acid conservation, physicochemical variation, residue mobility, and thermodynamic stability) performed at Invitae indicates that this missense variant is not expected to disrupt BRCA2 protein function. This variant is not present in population databases (ExAC no frequency). This sequence change replaces glutamic acid with valine at codon 3223 of the BRCA2 protein (p.Glu3223Val). The glutamic acid residue is weakly conserved and there is a moderate physicochemical difference between glutamic acid and valine.